The following is an entry in ClinVar:

NM_000059.4(BRCA2):c.9874C>A (p.Pro3292Thr)

Gene: BRCA2 (BRCA2 DNA repair associated; plus strand). Cytogenetic location: 13q13.1.
Variant type: single nucleotide variant.
Coding change: c.9874C>A on transcript NM_000059.4 (MANE Select); coding-DNA position 9874, C replaced by A.
Protein change: p.Pro3292Thr; replaces proline 3292 with threonine.
Molecular consequence: missense variant. On other transcripts: non-coding transcript variant (1).
Genome position (GRCh38, 1-based): chr13:32,398,387, C>A. VCF-style: chr13-32398387-C-A. GRCh37 (hg19) VCF-style: chr13-32972524-C-A.
Other names: c.9778C>A, p.Pro3260Thr (NM_001406719.1); c.9823C>A, p.Pro3275Thr (NM_001406720.1); c.4942C>A, p.Pro1648Thr (NM_001406721.1); c.3457C>A, p.Pro1153Thr (NM_001406722.1); short protein forms P1648T, P3275T, P3292T, P3260T, P1153T.
Identifiers: ClinVar variation 2774973 (VCV002774973.3), dbSNP rs876660917, ClinGen allele CA387766662.

ClinVar aggregate classification (germline): Uncertain significance. Review status: criteria provided, multiple submitters, no conflicts (2 of 4 stars). 2 submissions from 2 submitters: Uncertain significance (2). Last evaluated 2025-11-19.

Conditions:
Hereditary cancer-predisposing syndrome. Also called: Neoplastic Syndromes, Hereditary; Tumor predisposition; Hereditary Cancer Syndrome; Hereditary neoplastic syndrome. Identifiers: Orphanet 140162, MedGen C0027672, MeSH D009386, MONDO:0015356.
Hereditary breast ovarian cancer syndrome. Also called: Hereditary breast and ovarian cancer syndrome (HBOC); Hereditary breast and/or ovarian cancer syndrome; Hereditary breast and ovarian cancer; Hereditary breast and ovarian cancer syndrome; BRCA1- and BRCA2-Associated Hereditary Breast and Ovarian Cancer; Breast and ovarian cancer. Identifiers: Orphanet 145, MedGen C0677776, MeSH D061325, MONDO:0003582. Disease mechanism: loss of function.

Submissions (2):

Labcorp Genetics (formerly Invitae), Labcorp
Classification: Uncertain significance for Hereditary breast ovarian cancer syndrome. Last evaluated: 2025-11-19. Review status: criteria provided, single submitter. Criteria: Invitae Variant Classification Sherloc (09022015). Collection method: clinical testing. Allele origin: germline.
Comment: This sequence change replaces proline, which is neutral and non-polar, with threonine, which is neutral and polar, at codon 3292 of the BRCA2 protein (p.Pro3292Thr). This variant is not present in population databases (gnomAD no frequency). This variant has not been reported in the literature in individuals affected with BRCA2-related conditions. ClinVar contains an entry for this variant (Variation ID: 2774973). Invitae Evidence Modeling of protein sequence and biophysical properties (such as structural, functional, and spatial information, amino acid conservation, physicochemical variation, residue mobility, and thermodynamic stability) indicates that this missense variant is not expected to disrupt BRCA2 protein function with a negative predictive value of 95%. In summary, the available evidence is currently insufficient to determine the role of this variant in disease. Therefore, it has been classified as a Variant of Uncertain Significance.

Color Diagnostics, LLC DBA Color Health
Classification: Uncertain significance for Hereditary cancer-predisposing syndrome. Last evaluated: 2024-03-06. Review status: criteria provided, single submitter. Criteria: ACMG Guidelines, 2015. Collection method: clinical testing. Allele origin: germline.
Comment: This missense variant replaces proline with threonine at codon 3292 of the BRCA2 protein. Computational prediction suggests that this variant may not impact protein structure and function (internally defined REVEL score threshold <= 0.5, PMID: 27666373). To our knowledge, functional studies have not been reported for this variant. This variant has not been reported in individuals affected with BRCA2-related disorders in the literature. This variant has not been identified in the general population by the Genome Aggregation Database (gnomAD). The available evidence is insufficient to determine the role of this variant in disease conclusively. Therefore, this variant is classified as a Variant of Uncertain Significance.